The following is an entry in ClinVar:

ClinVar aggregate classification (germline): Uncertain significance. Review status: criteria provided, multiple submitters, no conflicts (2 of 4 stars). 3 submissions from 3 submitters: Uncertain significance (3). Last evaluated 2024-06-24.

Conditions:
Inborn genetic diseases. Identifiers: MedGen C0950123, MeSH D030342.
Hemolytic anemia due to glucophosphate isomerase deficiency (CNSHA4). Also called: ANEMIA, CONGENITAL, NONSPHEROCYTIC HEMOLYTIC, 4. Identifiers: Orphanet 712, MedGen C0272064, MONDO:0013275, OMIM 613470.

Allele frequency attached by ClinVar (database versions not stated): gnomAD exomes 0.00001 and 0.00003; TOPMed 0.00002; gnomAD 0.00003; ExAC 0.00002.
gnomAD v4.1: 26 of 1,611,894 alleles (0.0016%); highest among the groups gnomAD compares: Non-Finnish European, 0.0019%; no homozygotes.

Submissions (3):

ARUP Laboratories, Molecular Genetics and Genomics, ARUP Laboratories
Classification: Uncertain significance for Hemolytic anemia due to glucophosphate isomerase deficiency. Last evaluated: 2024-06-24. Review status: criteria provided, single submitter. Criteria: ARUP Molecular Germline Variant Investigation Process 2024. Collection method: clinical testing. Allele origin: germline.

Ambry Genetics
Classification: Uncertain significance for Inborn genetic diseases. Last evaluated: 2023-09-21. Review status: criteria provided, single submitter. Criteria: Ambry Variant Classification Scheme 2023. Collection method: clinical testing. Allele origin: germline.

Mayo Clinic Laboratories, Mayo Clinic
Classification: Uncertain significance. Last evaluated: 2023-01-17. Review status: criteria provided, single submitter. Criteria: ACMG Guidelines, 2015. Collection method: clinical testing. Allele origin: germline. Observed: 4 variant alleles.
Comment: PP3, PM2

NM_000175.5(GPI):c.1048G>A (p.Ala350Thr)

Gene: GPI (glucose-6-phosphate isomerase; plus strand). Cytogenetic location: 19q13.11.
Variant type: single nucleotide variant.
Coding change: c.1048G>A on transcript NM_000175.5 (MANE Select); coding-DNA position 1048, G replaced by A.
Protein change: p.Ala350Thr; replaces alanine 350 with threonine.
Molecular consequence: missense variant.
Genome position (GRCh38, 1-based): chr19:34,394,052, G>A. VCF-style: chr19-34394052-G-A. GRCh37 (hg19) VCF-style: chr19-34884957-G-A.
Other names: c.1048G>A (NM_000175.3); c.1081G>A, p.Ala361Thr (NM_001184722.1); c.1165G>A, p.Ala389Thr (NM_001289789.1); c.964G>A, p.Ala322Thr (NM_001289790.3); c.1048G>A, p.Ala350Thr (NM_001329909.1, NM_001329910.1, NM_001329911.2); short protein forms A322T, A350T, A361T, A389T.
Identifiers: ClinVar variation 1162840 (VCV001162840.8), dbSNP rs750631078, ClinGen allele CA9367321.